The following is an entry in ClinVar:

ClinVar aggregate classification (germline): Uncertain significance. Review status: criteria provided, multiple submitters, no conflicts (2 of 4 stars). 2 submissions from 2 submitters: Uncertain significance (2). Last evaluated 2025-01-03.

Conditions:
Inborn genetic diseases. Identifiers: MedGen C0950123, MeSH D030342.
EP300-related disorder. Also called: EP300-related condition; EP300-related disorders.

gnomAD v4.1: 2 of 1,614,220 alleles (0.00012%); highest among the groups gnomAD compares: Non-Finnish European, 0.00017%; no homozygotes.

Submissions (2):

PreventionGenetics, part of Exact Sciences
Classification: Uncertain significance for EP300-related condition. Last evaluated: 2025-01-03. Review status: criteria provided, single submitter. Criteria: ACMG Guidelines, 2015. Collection method: clinical testing. Allele origin: germline.
Comment: The EP300 c.1999G>A variant is predicted to result in the amino acid substitution p.Val667Ile. To our knowledge, this variant has not been reported in the literature or in a large population database (gnomAD), indicating this variant is rare. At this time, the clinical significance of this variant is uncertain due to the absence of conclusive functional and genetic evidence.

Ambry Genetics
Classification: Uncertain significance for Inborn genetic diseases. Last evaluated: 2024-09-03. Review status: criteria provided, single submitter. Criteria: Ambry Variant Classification Scheme 2023. Collection method: clinical testing. Allele origin: germline.

NM_001429.4(EP300):c.1999G>A (p.Val667Ile)

Gene: EP300 (EP300 lysine acetyltransferase; plus strand). Cytogenetic location: 22q13.2.
Variant type: single nucleotide variant.
Coding change: c.1999G>A on transcript NM_001429.4 (MANE Select); coding-DNA position 1999, G replaced by A.
Protein change: p.Val667Ile; replaces valine 667 with isoleucine.
Molecular consequence: missense variant.
Genome position (GRCh38, 1-based): chr22:41,141,168, G>A. VCF-style: chr22-41141168-G-A. GRCh37 (hg19) VCF-style: chr22-41537172-G-A.
Other names: c.1999G>A, p.Val667Ile (NM_001362843.2); short protein forms V667I.
Identifiers: ClinVar variation 3508826 (VCV003508826.2).